The following is an entry in ClinVar:

ClinVar aggregate classification (germline): Uncertain significance. Review status: criteria provided, multiple submitters, no conflicts (2 of 4 stars). 2 submissions from 2 submitters: Uncertain significance (2). Last evaluated 2021-06-30.

Conditions:
Inborn genetic diseases. Identifiers: MedGen C0950123, MeSH D030342.
Dyskeratosis congenita, autosomal dominant 6 (DKCA6). Identifiers: Orphanet 3322, MedGen C4225284, MONDO:0014690, OMIM 616553.

Submissions (2):

Ambry Genetics
Classification: Uncertain significance for Inborn genetic diseases. Last evaluated: 2021-06-30. Review status: criteria provided, single submitter. Criteria: Ambry Variant Classification Scheme 2023. Collection method: clinical testing. Allele origin: germline.
Comment: The p.A70T variant (also known as c.208G>A), located in coding exon 1 of the ACD gene, results from a G to A substitution at nucleotide position 208. The alanine at codon 70 is replaced by threonine, an amino acid with similar properties. This amino acid position is conserved. In addition, this alteration is predicted to be tolerated by in silico analysis. Since supporting evidence is limited at this time, the clinical significance of this alteration remains unclear.

Labcorp Genetics (formerly Invitae), Labcorp
Classification: Uncertain significance for Dyskeratosis congenita, autosomal dominant 6. Last evaluated: 2020-09-16. Review status: criteria provided, single submitter. Criteria: Invitae Variant Classification Sherloc (09022015). Collection method: clinical testing. Allele origin: germline.
Comment: In summary, the available evidence is currently insufficient to determine the role of this variant in disease. Therefore, it has been classified as a Variant of Uncertain Significance. Algorithms developed to predict the effect of missense changes on protein structure and function output the following: SIFT: "Tolerated"; PolyPhen-2: "Benign"; Align-GVGD: "Class C0". The threonine amino acid residue is found in multiple mammalian species, suggesting that this missense change does not adversely affect protein function. These predictions have not been confirmed by published functional studies and their clinical significance is uncertain. This variant has not been reported in the literature in individuals with ACD-related conditions. This variant is not present in population databases (ExAC no frequency). This sequence change replaces alanine with threonine at codon 70 of the ACD protein (p.Ala70Thr). The alanine residue is weakly conserved and there is a small physicochemical difference between alanine and threonine.

NC_000016.10:g.67660271C>T

Gene: ACD (ACD shelterin complex subunit and telomerase recruitment factor; minus strand). Cytogenetic location: 16q22.1.
Variant type: single nucleotide variant.
Genome position: GRCh38 VCF-style: chr16-67660271-C-T. GRCh37 (hg19) VCF-style: chr16-67694174-C-T.
Other names: short protein forms A70T.
Identifiers: ClinVar variation 1045596 (VCV001045596.10), dbSNP rs763682845, ClinGen allele CA396359406.